The following is an entry in ClinVar:

NM_014845.6(FIG4):c.353A>G (p.Asp118Gly)

Gene: FIG4 (FIG4 phosphoinositide 5-phosphatase; plus strand). Cytogenetic location: 6q21.
Variant type: single nucleotide variant.
Coding change: c.353A>G on transcript NM_014845.6 (MANE Select); coding-DNA position 353, A replaced by G.
Protein change: p.Asp118Gly; replaces aspartic acid 118 with glycine.
Molecular consequence: missense variant.
Genome position (GRCh38, 1-based): chr6:109,727,172, A>G. VCF-style: chr6-109727172-A-G. GRCh37 (hg19) VCF-style: chr6-110048375-A-G.
Other names: short protein forms D118G.
Identifiers: ClinVar variation 946867 (VCV000946867.7), dbSNP rs771093157, ClinGen allele CA3955751.
Genomic context (GRCh38, chr6:109,727,172, plus strand): 5'-TTGTCAGGTTCTTAGAAGGCTATTATATTGTGTTAATAACTAAAAGGAGGAAGATGGCGG[A>G]TATTGGAGGTCATGCAATCTATAAGGTCGAAGATACAAATATGATCTATATACCCAATGA-3'
Protein context (NP_055660.1, residues 108-128): VLITKRRKMA[Asp118Gly]IGGHAIYKVE

ClinVar aggregate classification (germline): Uncertain significance (1 of 4 stars; one submission).

Conditions:
Charcot-Marie-Tooth disease type 4. Also called: Charcot-Marie-Tooth disease, type IV; Charcot-Marie-Tooth, Type 4. Identifiers: Orphanet 64749, MedGen C4082197, MONDO:0018995.

Allele frequency attached by ClinVar (database versions not stated): gnomAD exomes below 0.00001; gnomAD 0.00001; TOPMed 0.00001; ExAC 0.00001.
gnomAD v4.1: 3 of 1,610,496 alleles (0.00019%); highest among the groups gnomAD compares: African/African-American, 0.0013%; no homozygotes.

Submissions (2):

Labcorp Genetics (formerly Invitae), Labcorp
Classification: Uncertain significance for Charcot-Marie-Tooth disease type 4. Last evaluated: 2021-09-01. Review status: criteria provided, single submitter. Criteria: Invitae Variant Classification Sherloc (09022015). Collection method: clinical testing. Allele origin: germline.
Comment: This sequence change replaces aspartic acid with glycine at codon 118 of the FIG4 protein (p.Asp118Gly). The aspartic acid residue is moderately conserved and there is a moderate physicochemical difference between aspartic acid and glycine. This variant is present in population databases (rs771093157, ExAC 0.001%). This variant has not been reported in the literature in individuals affected with FIG4-related conditions. Algorithms developed to predict the effect of missense changes on protein structure and function are either unavailable or do not agree on the potential impact of this missense change (SIFT: "Tolerated"; PolyPhen-2: "Possibly Damaging"; Align-GVGD: "Class C0"). Algorithms developed to predict the effect of sequence changes on RNA splicing suggest that this variant may create or strengthen a splice site. In summary, the available evidence is currently insufficient to determine the role of this variant in disease. Therefore, it has been classified as a Variant of Uncertain Significance.

Dr. Peter K. Rogan Lab, Western University
No classification provided (evidence only). Condition: Thyroid cancer, nonmedullary, 1. Review status: no classification provided. Collection method: in vitro. Allele origin: not applicable. Functional consequence: skipped exon. Not counted in ClinVar's aggregate classification.